The following is an entry in ClinVar:

ClinVar aggregate classification (germline): Uncertain significance (1 of 4 stars; one submission).

Conditions:
Cardiovascular phenotype. Identifiers: MedGen CN230736.
Hereditary cancer-predisposing syndrome. Also called: Neoplastic Syndromes, Hereditary; Tumor predisposition; Hereditary Cancer Syndrome; Hereditary neoplastic syndrome. Identifiers: Orphanet 140162, MedGen C0027672, MeSH D009386, MONDO:0015356.

Submission:

Ambry Genetics
Classification: Uncertain significance for Cardiovascular phenotype; Hereditary cancer-predisposing syndrome. Last evaluated: 2016-06-22. Review status: criteria provided, single submitter. Criteria: Ambry Variant Classification Scheme 2023. Collection method: clinical testing. Allele origin: germline.
Comment: The p.M932L variant (also known as c.2794A>T), located in coding exon 21 of the NF1 gene, results from an A to T substitution at nucleotide position 2794. The methionine at codon 932 is replaced by leucine, an amino acid with highly similar properties. This variant was not reported in population based cohorts in the following databases: Database of Single Nucleotide Polymorphisms (dbSNP), NHLBI Exome Sequencing Project (ESP), and 1000 Genomes Project. In the ESP, this variant was not observed in 6503 samples (13006 alleles) with coverage at this position. To date, this alteration has been detected with an allele frequency of approximately 0.001% (greater than 175000 alleles tested) in our clinical cohort. This amino acid position is highly conserved in available vertebrate species. In addition, the in silico prediction for this alteration is inconclusive. Since supporting evidence is limited at this time, the clinical significance of this alteration remains unclear.

NM_001042492.3(NF1):c.2794A>T (p.Met932Leu)

Gene: NF1 (neurofibromin 1; plus strand). Cytogenetic location: 17q11.2.
Variant type: single nucleotide variant.
Coding change: c.2794A>T on transcript NM_001042492.3 (MANE Select); coding-DNA position 2794, A replaced by T.
Protein change: p.Met932Leu; replaces methionine 932 with leucine.
Molecular consequence: missense variant.
Genome position (GRCh38, 1-based): chr17:31,229,409, A>T. VCF-style: chr17-31229409-A-T. GRCh37 (hg19) VCF-style: chr17-29556427-A-T.
Other names: c.2794A>T, p.Met932Leu (NM_000267.4); short protein forms M932L.
Identifiers: ClinVar variation 481936 (VCV000481936.5), dbSNP rs886052800, ClinGen allele CA398985651.